The following is an entry in ClinVar:

ClinVar aggregate classification (germline): Uncertain significance. Review status: criteria provided, multiple submitters, no conflicts (2 of 4 stars). 3 submissions from 3 submitters: Uncertain significance (3). Last evaluated 2025-12-13.

Conditions:
Hereditary cancer-predisposing syndrome. Also called: Tumor predisposition; Hereditary Cancer Syndrome; Hereditary neoplastic syndrome; Neoplastic Syndromes, Hereditary. Identifiers: Orphanet 140162, MedGen C0027672, MeSH D009386, MONDO:0015356.
Familial cancer of breast. Also called: hereditary breast carcinoma; BREAST CANCER, FAMILIAL; Hereditary breast cancer. Identifiers: Orphanet 227535, MedGen C0346153, MONDO:0016419, OMIM 114480. Disease mechanism: loss of function.

Submissions (3):

Ambry Genetics
Classification: Uncertain significance for Hereditary cancer-predisposing syndrome. Last evaluated: 2025-12-13. Review status: criteria provided, single submitter. Criteria: Ambry Variant Classification Scheme 2023. Collection method: clinical testing. Allele origin: germline.
Comment: The p.P144A variant (also known as c.430C>G), located in coding exon 4 of the PALB2 gene, results from a C to G substitution at nucleotide position 430. The proline at codon 144 is replaced by alanine, an amino acid with highly similar properties. This amino acid position is not well conserved in available vertebrate species. In addition, this alteration is predicted to be tolerated by in silico analysis. Since supporting evidence is limited at this time, the clinical significance of this alteration remains unclear.

Color Diagnostics, LLC DBA Color Health
Classification: Uncertain significance for Hereditary cancer-predisposing syndrome. Last evaluated: 2025-02-11. Review status: criteria provided, single submitter. Criteria: ACMG Guidelines, 2015. Collection method: clinical testing. Allele origin: germline.
Comment: This missense variant replaces proline with alanine at codon 144 of the PALB2 protein. Computational prediction suggests that this variant may not impact protein structure and function. To our knowledge, functional studies have not been reported for this variant. This variant has not been reported in individuals affected with PALB2-related disorders in the literature. This variant has not been identified in the general population by the Genome Aggregation Database (gnomAD). The available evidence is insufficient to determine the role of this variant in disease conclusively. Therefore, this variant is classified as a Variant of Uncertain Significance.

Labcorp Genetics (formerly Invitae), Labcorp
Classification: Uncertain significance for Familial cancer of breast. Last evaluated: 2024-08-10. Review status: criteria provided, single submitter. Criteria: Invitae Variant Classification Sherloc (09022015). Collection method: clinical testing. Allele origin: germline.
Comment: This sequence change replaces proline, which is neutral and non-polar, with alanine, which is neutral and non-polar, at codon 144 of the PALB2 protein (p.Pro144Ala). This variant is not present in population databases (gnomAD no frequency). This variant has not been reported in the literature in individuals affected with PALB2-related conditions. ClinVar contains an entry for this variant (Variation ID: 486016). An algorithm developed to predict the effect of missense changes on protein structure and function (PolyPhen-2) suggests that this variant is likely to be disruptive. In summary, the available evidence is currently insufficient to determine the role of this variant in disease. Therefore, it has been classified as a Variant of Uncertain Significance.

NM_024675.4(PALB2):c.430C>G (p.Pro144Ala)

Gene: PALB2 (partner and localizer of BRCA2; minus strand). Cytogenetic location: 16p12.2.
Variant type: single nucleotide variant.
Coding change: c.430C>G on transcript NM_024675.4 (MANE Select); coding-DNA position 430, C replaced by G.
Protein change: p.Pro144Ala; replaces proline 144 with alanine.
Molecular consequence: missense variant.
Genome position (GRCh38, 1-based): chr16:23,636,116, G>C on the plus strand (C>G on the coding strand, the complement: PALB2 is on the minus strand). VCF-style: chr16-23636116-G-C. GRCh37 (hg19) VCF-style: chr16-23647437-G-C.
Other names: short protein forms P144A.
Identifiers: ClinVar variation 486016 (VCV000486016.18), dbSNP rs1555461798, ClinGen allele CA395137300.